The following is an entry in ClinVar:

ClinVar aggregate classification (germline): Uncertain significance (1 of 4 stars; one submission).

gnomAD v4.1: 24 of 1,613,846 alleles (0.0015%); highest among the groups gnomAD compares: East Asian, 0.053%; no homozygotes.

Submission:

Dasa
Classification: Uncertain significance. Last evaluated: 2025-05-27. Review status: criteria provided, single submitter. Criteria: DASA Assertion Criteria. Collection method: clinical testing. Allele origin: germline.
Comment: NM_005909.5(MAP1B):c.5128T>C (p.Ser1710Pro) is a missense variant that results in the substitution of serine with proline. This variant is rare in population databases. Computational prediction algorithms are consistent with a benign effect. The currently available literature and clinical evidence are not sufficient to establish a definitive association between this variant and the reported condition. Therefore, this variant is classified as a variant of uncertain significance.

NM_005909.5(MAP1B):c.5128T>C (p.Ser1710Pro)

Gene: MAP1B (microtubule associated protein 1B; plus strand). Cytogenetic location: 5q13.2.
Variant type: single nucleotide variant.
Coding change: c.5128T>C on transcript NM_005909.5 (MANE Select); coding-DNA position 5128, T replaced by C.
Protein change: p.Ser1710Pro; replaces serine 1710 with proline.
Molecular consequence: missense variant.
Genome position (GRCh38, 1-based): chr5:72,198,483, T>C. VCF-style: chr5-72198483-T-C. GRCh37 (hg19) VCF-style: chr5-71494310-T-C.
Other names: c.4750T>C, p.Ser1584Pro (NM_001324255.2); short protein forms S1584P, S1710P.
Identifiers: ClinVar variation 4884900 (VCV004884900.2).